The following is an entry in ClinVar:

NM_001040424.3(PRDM15):c.131+401G>T

Gene: PRDM15 (PR/SET domain 15; minus strand). Cytogenetic location: 21q22.3.
Variant type: single nucleotide variant.
Coding change: c.131+401G>T on transcript NM_001040424.3 (MANE Select); 401 bases into the intron after coding-DNA position 131, G replaced by T.
Molecular consequence: intron variant. On other transcripts: missense variant (1).
Genome position (GRCh38, 1-based): chr21:41,859,191, C>A on the plus strand (G>T on the coding strand, the complement: PRDM15 is on the minus strand). VCF-style: chr21-41859191-C-A. GRCh37 (hg19) VCF-style: chr21-43279300-C-A.
Other names: c.169G>T, p.Gly57Trp (NM_022115.7); c.131+401G>T (NM_001282934.2); short protein forms G57W.
Identifiers: ClinVar variation 5027255 (VCV005027255.1).

ClinVar aggregate classification (germline): Uncertain significance (1 of 4 stars; one submission).

gnomAD v4.1: 2 of 1,613,984 alleles (0.00012%); highest among the groups gnomAD compares: East Asian, 0.0022%; no homozygotes.

Submission:

Ambry Genetics
Classification: Uncertain significance. Last evaluated: 2026-06-29. Review status: criteria provided, single submitter. Criteria: Ambry Variant Classification Scheme 2023. Collection method: clinical testing. Allele origin: germline.
Comment: The c.1069G>T (p.G357W) alteration is located in exon 10 (coding exon 10) of the PRDM15 gene. This alteration results from a G to T substitution at nucleotide position 1069, causing the glycine (G) at amino acid position 357 to be replaced by a tryptophan (W). Based on data from gnomAD, the T allele has an overall frequency of <0.001% (1/248146) total alleles studied. The highest observed frequency was 0.005% (1/18368) of East Asian alleles. Based on insufficient or conflicting evidence, the clinical significance of this alteration remains unclear.